The following is an entry in ClinVar:

NM_000260.4(MYO7A):c.82G>A (p.Val28Met)

Gene: MYO7A (myosin VIIA; plus strand). Cytogenetic location: 11q13.5.
Variant type: single nucleotide variant.
Coding change: c.82G>A on transcript NM_000260.4 (MANE Select); coding-DNA position 82, G replaced by A.
Protein change: p.Val28Met; replaces valine 28 with methionine.
Molecular consequence: missense variant.
Genome position (GRCh38, 1-based): chr11:77,142,772, G>A. VCF-style: chr11-77142772-G-A. GRCh37 (hg19) VCF-style: chr11-76853818-G-A.
Other names: c.82G>A, p.Val28Met (NM_001127180.2); c.49G>A, p.Val17Met (NM_001369365.1); short protein forms V17M, V28M.
Identifiers: ClinVar variation 3370681 (VCV003370681.2).
Genomic context (GRCh38, chr11:77,142,772, plus strand): 5'-GACCATGTGTGGATGGACCTGAGATTGGGGCAGGAGTTCGACGTGCCCATCGGGGCGGTG[G>A]TGAAGCTCTGCGACTCTGGGCAGGTCCAGGTGGTGGATGATGAAGACAATGTGAGTAGTC-3'
Protein context (NP_000251.3, residues 18-38): QEFDVPIGAV[Val28Met]KLCDSGQVQV

ClinVar aggregate classification (germline): Uncertain significance (1 of 4 stars; one submission).

Submission:

GeneDx
Classification: Uncertain significance. Last evaluated: 2025-02-12. Review status: criteria provided, single submitter. Criteria: GeneDx Variant Classification Process June 2021. Collection method: clinical testing. Allele origin: germline. Affected: yes.
Comment: Not observed at significant frequency in large population cohorts (gnomAD); In silico analysis supports that this missense variant has a deleterious effect on protein structure/function; Has not been previously published as pathogenic or benign to our knowledge